The following is an entry in ClinVar:

ClinVar aggregate classification (germline): Uncertain significance (1 of 4 stars; one submission).

Submission:

GeneDx
Classification: Uncertain significance. Last evaluated: 2023-12-29. Review status: criteria provided, single submitter. Criteria: GeneDx Variant Classification Process June 2021. Collection method: clinical testing. Allele origin: germline. Affected: yes.
Comment: Not observed at significant frequency in large population cohorts (gnomAD); In silico analysis supports that this missense variant does not alter protein structure/function; Has not been previously published as pathogenic or benign to our knowledge

NM_015001.3(SPEN):c.8605A>G (p.Lys2869Glu)

Gene: SPEN (spen family transcriptional repressor; plus strand). Cytogenetic location: 1p36.13.
Variant type: single nucleotide variant.
Coding change: c.8605A>G on transcript NM_015001.3 (MANE Select); coding-DNA position 8605, A replaced by G.
Protein change: p.Lys2869Glu; replaces lysine 2869 with glutamic acid.
Molecular consequence: missense variant.
Genome position (GRCh38, 1-based): chr1:15,934,845, A>G. VCF-style: chr1-15934845-A-G. GRCh37 (hg19) VCF-style: chr1-16261340-A-G.
Other names: short protein forms K2869E.
Identifiers: ClinVar variation 3367428 (VCV003367428.1).